The following is an entry in ClinVar:

ClinVar aggregate classification (germline): Uncertain significance (1 of 4 stars; one submission).

Conditions:
Familial adenomatous polyposis 1 (FAP1). Also called: FAMILIAL ADENOMATOUS POLYPOSIS 1, ATTENUATED; POLYPOSIS, ADENOMATOUS INTESTINAL. Identifiers: MedGen C2713442, MONDO:0021056, OMIM 175100. Disease mechanism: loss of function.

Allele frequency attached by ClinVar (database versions not stated): gnomAD 0.00001.

Submission:

Labcorp Genetics (formerly Invitae), Labcorp
Classification: Uncertain significance for Familial adenomatous polyposis 1. Last evaluated: 2023-02-14. Review status: criteria provided, single submitter. Criteria: Invitae Variant Classification Sherloc (09022015). Collection method: clinical testing. Allele origin: germline.
Comment: In summary, the available evidence is currently insufficient to determine the role of this variant in disease. Therefore, it has been classified as a Variant of Uncertain Significance. Experimental studies and prediction algorithms are not available or were not evaluated, and the functional significance of this variant is currently unknown. This variant has not been reported in the literature in individuals affected with APC-related conditions. This variant is not present in population databases (gnomAD no frequency). This variant occurs in a non-coding region of the APC gene. It does not change the encoded amino acid sequence of the APC protein.

NM_001127511.3(APC):c.-126_-125insC

Gene: APC (APC regulator of Wnt signaling pathway; plus strand). Cytogenetic location: 5q22.2.
Variant type: Insertion.
Coding change: c.-126_-125insC on transcript NM_001127511.3; 126 bases upstream of the start codon through 125 bases upstream of the start codon, C inserted.
Molecular consequence: 5 prime UTR variant. On other transcripts: non-coding transcript variant (2).
Genome position: GRCh38 VCF-style: chr5-112707592-G-GC. GRCh37 (hg19) VCF-style: chr5-112043289-G-GC.
Other names: c.-309_-308insC (NM_001354895.2, NM_001407447.1, NM_001407452.1 and 3 more transcripts); c.-126_-125insC (NM_001354897.2, NM_001354902.2, NM_001407446.1); c.-76_-75insC (NM_001407448.1, NM_001407450.1, NM_001407457.1 and 1 more transcripts); c.-100_-99insC (NM_001407453.1); c.-1344_-1343insC (NM_001407470.1, NM_001407472.1).
Identifiers: ClinVar variation 2915252 (VCV002915252.3), dbSNP rs1750584693, ClinGen allele CA1080214891.
Genomic context (GRCh38, chr5:112,707,592, plus strand): 5'-GAGGGCAAGTAGCAAGGGGGCGGGGTGTGGCCGCCGGAAGCCTAGCCGCTGCTCGGGGGG[G>GC]ACCTGCGGGCTCAGGCCCGGGAGCTGCGGACCGAGGTTGGCTCGATGCTGTTCCCAGGTA-3'